The following is an entry in ClinVar:

ClinVar aggregate classification (germline): Pathogenic (1 of 4 stars; one submission).

Conditions:
Exostoses, multiple, type 2 (EXT2). Also called: Hereditary Multiple Osteochondromatosis, Type II; EXOSTOSES, MULTIPLE, TYPE II. Identifiers: Orphanet 321, MedGen C1851413, MONDO:0007586, OMIM 133701.

Submission:

Labcorp Genetics (formerly Invitae), Labcorp
Classification: Pathogenic for Exostoses, multiple, type 2. Last evaluated: 2023-11-03. Review status: criteria provided, single submitter. Criteria: Invitae Variant Classification Sherloc (09022015). Collection method: clinical testing. Allele origin: germline.
Comment: This variant is a gross deletion of the genomic region encompassing exon(s) 8 of the EXT2 gene. This variant would be expected to be in-frame, preserving the integrity of the reading frame. A similar copy number variant has been observed in individual(s) with multiple osteochondromas (PMID: 18165274, 19810120). For these reasons, this variant has been classified as Pathogenic.

Literature cited by the submitters: PubMed 18165274; PubMed 19810120.

NC_000011.10:g.(?_44171591)_(44171762_?)del

Gene: EXT2 (exostosin glycosyltransferase 2; plus strand). Cytogenetic location: 11p11.2.
Variant type: Deletion.
Identifiers: ClinVar variation 465695 (VCV000465695.10).